The following is an entry in ClinVar:

ClinVar aggregate classification (germline): Likely benign (1 of 4 stars; one submission).

Submission:

CeGaT Center for Human Genetics Tuebingen
Classification: Likely benign. Last evaluated: 2026-09-01. Review status: criteria provided, single submitter. Criteria: CeGaT Center For Human Genetics Tuebingen Variant Classification Criteria Version 2. Collection method: clinical testing. Allele origin: germline. Affected: yes. Observed: 1 variant allele.
Comment: MN1: PM2:Supporting, BP4, BP7

NM_002430.3(MN1):c.1788C>A (p.Gly596=)

Gene: MN1 (MN1 proto-oncogene, transcriptional regulator; minus strand). Cytogenetic location: 22q12.1.
Variant type: single nucleotide variant.
Coding change: c.1788C>A on transcript NM_002430.3 (MANE Select); coding-DNA position 1788, C replaced by A.
Protein change: p.Gly596=; no amino-acid change (glycine 596 retained).
Molecular consequence: synonymous variant.
Genome position (GRCh38, 1-based): chr22:27,798,756, G>T on the plus strand (C>A on the coding strand, the complement: MN1 is on the minus strand). VCF-style: chr22-27798756-G-T. GRCh37 (hg19) VCF-style: chr22-28194744-G-T.
Identifiers: ClinVar variation 5041355 (VCV005041355.1).